The following is an entry in ClinVar:

ClinVar aggregate classification (germline): Conflicting classifications of pathogenicity. Review status: criteria provided, conflicting classifications (1 of 4 stars). 3 submissions from 3 submitters: Uncertain significance (1); Likely benign (1). 1 of the submissions does not count toward it. Last evaluated 2024-03-13.

Conditions:
MTR-related disorder. Also called: MTR-related condition.
Methylcobalamin deficiency type cblG (HMAG). Also called: HOMOCYSTINURIA-MEGALOBLASTIC ANEMIA, cblG TYPE; HOMOCYSTINURIA-MEGALOBLASTIC ANEMIA DUE TO DEFECT IN COBALAMIN METABOLISM, cblG COMPLEMENTATION TYPE; HOMOCYSTINURIA-MEGALOBLASTIC ANEMIA, cblG COMPLEMENTATION TYPE; Functional methionine synthase deficiency type cblG. Identifiers: Orphanet 2170, Orphanet 622, MedGen C1855128, MONDO:0009609, OMIM 250940.
Disorders of Intracellular Cobalamin Metabolism. Identifiers: MedGen CN043592.

Allele frequency attached by ClinVar (database versions not stated): ExAC 0.00003; gnomAD exomes 0.00006 and 0.00008; TOPMed 0.00008; gnomAD 0.00010; ESP Exome Variant Server 0.00015.
gnomAD v4.1: 132 of 1,609,224 alleles (0.0082%); highest among the groups gnomAD compares: Non-Finnish European, 0.0088%; no homozygotes.

Submissions (3):

Labcorp Genetics (formerly Invitae), Labcorp
Classification: Likely benign for Methylcobalamin deficiency type cblG. Last evaluated: 2024-03-13. Review status: criteria provided, single submitter. Criteria: Invitae Variant Classification Sherloc (09022015). Collection method: clinical testing. Allele origin: germline.

Illumina Laboratory Services, Illumina
Classification: Uncertain significance for Disorders of Intracellular Cobalamin Metabolism. Last evaluated: 2018-01-13. Review status: criteria provided, single submitter. Criteria: ICSL Variant Classification Criteria 13 December 2019. Collection method: clinical testing. Allele origin: germline.

PreventionGenetics, part of Exact Sciences
Classification: Likely benign for MTR-related condition. Last evaluated: 2019-07-15. Review status: no assertion criteria provided. Collection method: clinical testing. Allele origin: germline. Not counted in ClinVar's aggregate classification.
Comment: This variant is classified as likely benign based on ACMG/AMP sequence variant interpretation guidelines (Richards et al. 2015 PMID: 25741868, with internal and published modifications).

NM_000254.3(MTR):c.866-10C>G

Gene: MTR (5-methyltetrahydrofolate-homocysteine methyltransferase; plus strand). Cytogenetic location: 1q43.
Variant type: single nucleotide variant.
Coding change: c.866-10C>G on transcript NM_000254.3 (MANE Select); 10 bases into the intron before coding-DNA position 866, C replaced by G.
Molecular consequence: intron variant.
Genome position (GRCh38, 1-based): chr1:236,825,328, C>G. VCF-style: chr1-236825328-C-G. GRCh37 (hg19) VCF-style: chr1-236988628-C-G.
Other names: c.866-10C>G (NM_001291939.1); c.-243-10C>G (NM_001291940.2).
Identifiers: ClinVar variation 296554 (VCV000296554.16), dbSNP rs368755647, ClinGen allele CA1473915.